The following is an entry in ClinVar:

NM_004309.6(ARHGDIA):c.*208C>G

Gene: ARHGDIA (Rho GDP dissociation inhibitor alpha; minus strand). Cytogenetic location: 17q25.3.
Variant type: single nucleotide variant.
Coding change: c.*208C>G on transcript NM_004309.6 (MANE Select); 208 bases downstream of the stop codon, C replaced by G.
Molecular consequence: 3 prime UTR variant. On other transcripts: synonymous variant (1), non-coding transcript variant (1), intron variant (2).
Genome position (GRCh38, 1-based): chr17:81,868,668, G>C on the plus strand (C>G on the coding strand, the complement: ARHGDIA is on the minus strand). VCF-style: chr17-81868668-G-C. GRCh37 (hg19) VCF-style: chr17-79826544-G-C.
Other names: c.*208C>G (NM_001185077.3, NM_001185078.3, NM_001301243.2); c.711C>G, p.Val237= (NM_001301242.2); c.503-84C>G (NM_001301240.2, NM_001301241.2).
Identifiers: ClinVar variation 3044030 (VCV003044030.2), dbSNP rs774369485, ClinGen allele CA8843128.

ClinVar aggregate classification (germline): Likely benign (0 of 4 stars; one submission).

Conditions:
ARHGDIA-related disorder. Also called: ARHGDIA-related condition.

Allele frequency attached by ClinVar (database versions not stated): ExAC 0.00009; gnomAD 0.00033.

Submission:

PreventionGenetics, part of Exact Sciences
Classification: Likely benign for ARHGDIA-related condition. Last evaluated: 2019-06-08. Review status: no assertion criteria provided. Collection method: clinical testing. Allele origin: germline.
Comment: This variant is classified as likely benign based on ACMG/AMP sequence variant interpretation guidelines (Richards et al. 2015 PMID: 25741868, with internal and published modifications).